The following is an entry in ClinVar:

NM_000219.6(KCNE1):c.164G>A (p.Gly55Asp)

Gene: KCNE1 (potassium voltage-gated channel subfamily E regulatory subunit 1; minus strand). Cytogenetic location: 21q22.12.
Variant type: single nucleotide variant.
Coding change: c.164G>A on transcript NM_000219.6 (MANE Select); coding-DNA position 164, G replaced by A.
Protein change: p.Gly55Asp; replaces glycine 55 with aspartic acid.
Molecular consequence: missense variant.
Genome position (GRCh38, 1-based): chr21:34,449,471, C>T on the plus strand (G>A on the coding strand, the complement: KCNE1 is on the minus strand). VCF-style: chr21-34449471-C-T. GRCh37 (hg19) VCF-style: chr21-35821769-C-T.
Other names: c.164G>A, p.Gly55Asp (NM_001127668.4, NM_001127669.4, NM_001127670.4 and 4 more transcripts); short protein forms G55D.
Identifiers: ClinVar variation 3374213 (VCV003374213.2).
Genomic context (GRCh38, chr21:34,449,471, plus strand): 5'-TTCGAGTGCTCCAGCTTCTTGGAGCGGATGTAGCTCAGCATGATGCCCAGGGTGAAGAAG[C>T]CGAAGAATCCCAGTACCATGAGGACGTAGAGGGCCTCCAGCTTGCCGTCACTGCTGCGGG-3'
Protein context (NP_000210.2, residues 45-65): LYVLMVLGFF[Gly55Asp]FFTLGIMLSY

Conditions:
Long QT syndrome 5 (LQT5). Identifiers: Orphanet 101016, Orphanet 768, MedGen C1867904, MONDO:0013372, OMIM 613695.

Submission:

Roden Lab, Vanderbilt University Medical Center
No classification provided (evidence only). Condition: Long QT syndrome 5. Review status: no classification provided. Collection method: in vitro. Allele origin: not applicable. Functional consequence: Effect on ion channel function.
ClinVar note: "not provided" was previously submitted as the classification for the variant. However, the classification appeared to be based only on an observation of functional data so it was converted to no classification on 2025-07-30.